The following is an entry in ClinVar:

ClinVar aggregate classification (germline): Pathogenic (1 of 4 stars; one submission).

Conditions:
Tumor predisposition syndrome 3 (TPDS3). Also called: LONG TELOMERE SYNDROME, POT1-RELATED; POT1 Tumor Predisposition; Melanoma, cutaneous malignant, susceptibility to, 10; Glioma susceptibility 9. Identifiers: Orphanet 618, MedGen C4014476, MONDO:0014368, OMIM 615848.

Submission:

Labcorp Genetics (formerly Invitae), Labcorp
Classification: Pathogenic for Tumor predisposition syndrome 3. Last evaluated: 2023-11-15. Review status: criteria provided, single submitter. Criteria: Invitae Variant Classification Sherloc (09022015). Collection method: clinical testing. Allele origin: germline.
Comment: This sequence change creates a premature translational stop signal (p.Gln376*) in the POT1 gene. It is expected to result in an absent or disrupted protein product. Loss-of-function variants in POT1 are known to be pathogenic (PMID: 32155570). This variant is not present in population databases (gnomAD no frequency). This variant has not been reported in the literature in individuals affected with POT1-related conditions. For these reasons, this variant has been classified as Pathogenic.

Literature cited by the submitters: PubMed 32155570.

NM_015450.3(POT1):c.1126C>T (p.Gln376Ter)

Gene: POT1 (protection of telomeres 1; minus strand). Cytogenetic location: 7q31.33.
Variant type: single nucleotide variant.
Coding change: c.1126C>T on transcript NM_015450.3 (MANE Select); coding-DNA position 1126, C replaced by T.
Protein change: p.Gln376Ter; replaces glutamine 376 with a stop codon.
Molecular consequence: nonsense. On other transcripts: non-coding transcript variant (3).
Genome position (GRCh38, 1-based): chr7:124,842,844, G>A on the plus strand (C>T on the coding strand, the complement: POT1 is on the minus strand). VCF-style: chr7-124842844-G-A. GRCh37 (hg19) VCF-style: chr7-124482898-G-A.
Other names: c.733C>T, p.Gln245Ter (NM_001042594.2); short protein forms Q376*, Q245*.
Identifiers: ClinVar variation 2843255 (VCV002843255.3), dbSNP rs2485401803, ClinGen allele CA369068233.
Genomic context (GRCh38, chr7:124,842,844, plus strand): 5'-GTTTTATTATGGAAAATACTCACAGCAAATGACATTTAGGGCAATGAAGTTTAACAGACT[G>A]AAATAGTCTTCTGGGCTTATATGACCTCAATTTTGCTCGGATGCGGTATTGTTGAGGAGC-3'